The following is an entry in ClinVar:

ClinVar aggregate classification (germline): Uncertain significance (1 of 4 stars; one submission).

Conditions:
Cardiovascular phenotype. Identifiers: MedGen CN230736.

Submission:

Ambry Genetics
Classification: Uncertain significance for Cardiovascular phenotype. Last evaluated: 2024-12-19. Review status: criteria provided, single submitter. Criteria: Ambry Variant Classification Scheme 2023. Collection method: clinical testing. Allele origin: germline.
Comment: The p.E135A variant (also known as c.404A>C), located in coding exon 2 of the CBL gene, results from an A to C substitution at nucleotide position 404. The glutamic acid at codon 135 is replaced by alanine, an amino acid with dissimilar properties. This amino acid position is conserved. In addition, the in silico prediction for this alteration is inconclusive. Based on the available evidence, the clinical significance of this variant remains unclear.

NM_005188.4(CBL):c.404A>C (p.Glu135Ala)

Gene: CBL (Cbl proto-oncogene; plus strand). Cytogenetic location: 11q23.3.
Variant type: single nucleotide variant.
Coding change: c.404A>C on transcript NM_005188.4 (MANE Select); coding-DNA position 404, A replaced by C.
Protein change: p.Glu135Ala; replaces glutamic acid 135 with alanine.
Molecular consequence: missense variant.
Genome position (GRCh38, 1-based): chr11:119,232,656, A>C. VCF-style: chr11-119232656-A-C. GRCh37 (hg19) VCF-style: chr11-119103366-A-C.
Other names: short protein forms E135A.
Identifiers: ClinVar variation 3827781 (VCV003827781.1).